The following is an entry in ClinVar:

NM_003072.5(SMARCA4):c.1245+4G>C

Gene: SMARCA4 (SWI/SNF related BAF chromatin remodeling complex subunit ATPase 4; plus strand). Cytogenetic location: 19p13.2.
Variant type: single nucleotide variant.
Coding change: c.1245+4G>C on transcript NM_003072.5 (MANE Select); 4 bases into the intron after coding-DNA position 1245, G replaced by C.
Molecular consequence: intron variant.
Genome position (GRCh38, 1-based): chr19:10,989,447, G>C. VCF-style: chr19-10989447-G-C. GRCh37 (hg19) VCF-style: chr19-11100123-G-C.
Other names: c.1245+4G>C (NM_001128844.3, NM_001128849.3, NM_001128847.4 and 6 more transcripts).
Identifiers: ClinVar variation 2567131 (VCV002567131.3), dbSNP rs2145850485, ClinGen allele CA2580613050.

ClinVar aggregate classification (germline): Uncertain significance (1 of 4 stars; one submission).

Conditions:
Hereditary cancer-predisposing syndrome. Also called: Hereditary neoplastic syndrome; Hereditary Cancer Syndrome; Neoplastic Syndromes, Hereditary; Tumor predisposition. Identifiers: Orphanet 140162, MedGen C0027672, MeSH D009386, MONDO:0015356.

Submission:

Ambry Genetics
Classification: Uncertain significance for Hereditary cancer-predisposing syndrome. Last evaluated: 2025-07-17. Review status: criteria provided, single submitter. Criteria: Ambry Variant Classification Scheme 2023. Collection method: clinical testing. Allele origin: germline.
Comment: The c.1245+4G>C intronic variant results from a G to C substitution 4 nucleotides after coding exon 6 in the SMARCA4 gene. This nucleotide position is well conserved in available vertebrate species. In silico splice site analysis predicts that this alteration will not have any significant effect on splicing. Based on the available evidence, the clinical significance of this variant remains unclear.